The following is an entry in ClinVar:

ClinVar aggregate classification (germline): Uncertain significance (1 of 4 stars; one submission).

Conditions:
Hereditary cancer-predisposing syndrome. Also called: Tumor predisposition; Neoplastic Syndromes, Hereditary; Hereditary Cancer Syndrome; Hereditary neoplastic syndrome. Identifiers: Orphanet 140162, MedGen C0027672, MeSH D009386, MONDO:0015356.

Submission:

Ambry Genetics
Classification: Uncertain significance for Hereditary cancer-predisposing syndrome. Last evaluated: 2024-07-26. Review status: criteria provided, single submitter. Criteria: Ambry Variant Classification Scheme 2023. Collection method: clinical testing. Allele origin: germline.
Comment: The c.1151_1168del18 variant (also known as p.L384_T389del) is located in coding exon 10 of the CHEK2 gene. This variant results from an in-frame TATGTGGAACCCCCACCT deletion at nucleotide positions 1151 to 1168. This results in the in-frame deletion of 6 amino acid residues at codons 384 to 389. This amino acid region is well conserved in available vertebrate species. In addition, this alteration is predicted to be deleterious by in silico analysis (Choi Y et al. PLoS ONE. 2012; 7(10):e46688). Based on the available evidence, the clinical significance of this variant remains unclear.

NM_007194.4(CHEK2):c.1151_1168del (p.Leu384_Thr389del)

Gene: CHEK2 (checkpoint kinase 2; minus strand). Cytogenetic location: 22q12.1.
Variant type: Deletion.
Coding change: c.1151_1168del on transcript NM_007194.4 (MANE Select); coding-DNA positions 1151 to 1168, 18 bases deleted (TATGTGGAACCCCCACCT).
Protein change: p.Leu384_Thr389del.
Molecular consequence: inframe deletion. On other transcripts: inframe indel (4).
Genome position (GRCh38, 1-based): chr22:28,695,801-28,695,818, AGGTGGGGGTTCCACATA deleted on the plus strand (TATGTGGAACCCCCACCT on the coding strand, the reverse complement: CHEK2 is on the minus strand); deleting any 18 consecutive bases within chr22:28,695,801-28,695,822 gives the same sequence; the c. name uses the placement nearest the transcript's 3' end. VCF-style (leftmost placement, unchanged base first): chr22-28695800-TAGGTGGGGGTTCCACATA-T. GRCh37 (hg19) VCF-style: chr22-29091788-TAGGTGGGGGTTCCACATA-T.
Other names: c.1276_1293del18, p.Leu427_Thr432del (NM_001005735.3); c.484_501del18, p.Leu163_Thr168del (NM_001257387.3); c.946_963del18, p.Leu317_Thr322del (NM_001349956.3); c.1060_1077del18, p.Leu355_Thr360del (NM_145862.3).
Identifiers: ClinVar variation 3492173 (VCV003492173.1).